The following is an entry in ClinVar:

NM_002520.7(NPM1):c.495C>T (p.Asp165=)

Gene: NPM1 (nucleophosmin 1; plus strand). Cytogenetic location: 5q35.1.
Variant type: single nucleotide variant.
Coding change: c.495C>T on transcript NM_002520.7 (MANE Select); coding-DNA position 495, C replaced by T.
Protein change: p.Asp165=; no amino-acid change (aspartic acid 165 retained).
Molecular consequence: synonymous variant.
Genome position (GRCh38, 1-based): chr5:171,392,949, C>T. VCF-style: chr5-171392949-C-T. GRCh37 (hg19) VCF-style: chr5-170819953-C-T.
Other names: c.495C>T, p.Asp165= (NM_001037738.3, NM_001355006.2, NM_001355009.2 and 1 more transcripts); c.303C>T, p.Asp101= (NM_001355007.2); c.201C>T, p.Asp67= (NM_001355010.2).
Identifiers: ClinVar variation 730555 (VCV000730555.7), dbSNP rs146936311, ClinGen allele CA3558605.

ClinVar aggregate classification (germline): Benign/Likely benign. Review status: criteria provided, multiple submitters, no conflicts (2 of 4 stars). 3 submissions from 3 submitters: Benign (1); Likely benign (1). 1 of the submissions does not count toward it. Last evaluated 2026-07-01.

Conditions:
NPM1-related disorder. Also called: NPM1-related condition.

Allele frequency attached by ClinVar (database versions not stated): ExAC 0.00094; 1000 Genomes Project 30x 0.00234; 1000 Genomes Project 0.00240; TOPMed 0.00347; gnomAD 0.00348; ESP Exome Variant Server 0.00400.
gnomAD v4.1: 1,020 of 1,607,674 alleles (0.063%); highest among the groups gnomAD compares: African/African-American, 1.2%; 9 homozygotes.

Submissions (3):

CeGaT Center for Human Genetics Tuebingen
Classification: Likely benign. Last evaluated: 2026-07-01. Review status: criteria provided, single submitter. Criteria: CeGaT Center For Human Genetics Tuebingen Variant Classification Criteria Version 2. Collection method: clinical testing. Allele origin: germline. Affected: yes. Observed: 2 variant alleles.
Comment: NPM1: BP4, BP7, BS1

Labcorp Genetics (formerly Invitae), Labcorp
Classification: Benign. Last evaluated: 2018-05-31. Review status: criteria provided, single submitter. Criteria: Invitae Variant Classification Sherloc (09022015). Collection method: clinical testing. Allele origin: germline.

PreventionGenetics, part of Exact Sciences
Classification: Benign for NPM1-related condition. Last evaluated: 2024-01-08. Review status: no assertion criteria provided. Collection method: clinical testing. Allele origin: germline. Not counted in ClinVar's aggregate classification.
Comment: This variant is classified as benign based on ACMG/AMP sequence variant interpretation guidelines (Richards et al. 2015 PMID: 25741868, with internal and published modifications).